The following is an entry in ClinVar:

NC_000017.10:g.(?_41052894)_(41154937_?)dup

Genes: AARSD1 (alanyl-tRNA synthetase domain containing 1; minus strand), G6PC1 (glucose-6-phosphatase catalytic subunit 1; plus strand), PTGES3L (prostaglandin E synthase 3 like; minus strand), PTGES3L-AARSD1 (PTGES3L-AARSD1 readthrough; minus strand), RPL27 (ribosomal protein L27; plus strand) and 1 more. Cytogenetic location: 17q21.31.
Variant type: Duplication.
Identifiers: ClinVar variation 2423446 (VCV002423446.4).

ClinVar aggregate classification (germline): Uncertain significance (1 of 4 stars; one submission).

Submission:

Labcorp Genetics (formerly Invitae), Labcorp
Classification: Uncertain significance. Last evaluated: 2022-09-21. Review status: criteria provided, single submitter. Criteria: Invitae Variant Classification Sherloc (09022015). Collection method: clinical testing. Allele origin: germline.
Comment: In summary, the available evidence is currently insufficient to determine the role of this variant in disease. Therefore, it has been classified as a Variant of Uncertain Significance. This variant has not been reported in the literature in individuals affected with RPL27-related conditions. A copy number gain of the genomic region encompassing the full coding sequence of the RPL27 gene has been identified. The boundaries of this event are unknown as they extend beyond the assayed region for this gene and therefore may encompass additional genes. As the precise location of this event is unknown, it may be in tandem or it may be located elsewhere in the genome.